The following is an entry in ClinVar:

NM_198253.3(TERT):c.2081T>C (p.Val694Ala)

Gene: TERT (telomerase reverse transcriptase; minus strand). Cytogenetic location: 5p15.33.
Variant type: single nucleotide variant.
Coding change: c.2081T>C on transcript NM_198253.3 (MANE Select); coding-DNA position 2081, T replaced by C.
Protein change: p.Val694Ala; replaces valine 694 with alanine.
Molecular consequence: missense variant. On other transcripts: non-coding transcript variant (2).
Genome position (GRCh38, 1-based): chr5:1,279,340, A>G on the plus strand (T>C on the coding strand, the complement: TERT is on the minus strand). VCF-style: chr5-1279340-A-G. GRCh37 (hg19) VCF-style: chr5-1279455-A-G.
Other names: c.2081T>C, p.Val694Ala (NM_001193376.3); short protein forms V694A.
Identifiers: ClinVar variation 940381 (VCV000940381.10), dbSNP rs1026167666, ClinGen allele CA112949471.

ClinVar aggregate classification (germline): Uncertain significance (1 of 4 stars; one submission).

Conditions:
Dyskeratosis congenita, autosomal dominant 2. Identifiers: MedGen C3151443, MONDO:0013521, OMIM 613989.
Idiopathic Pulmonary Fibrosis. Also called: Idiopathic fibrosing alveolitis, chronic form; idiopathic fibrosing alveolitis. Identifiers: Orphanet 2032, MedGen C1800706, MeSH D054990, MONDO:0800504.

Allele frequency attached by ClinVar (database versions not stated): gnomAD exomes below 0.00001; TOPMed 0.00002.
gnomAD v4.1: 2 of 1,584,766 alleles (0.00013%); highest among the groups gnomAD compares: Non-Finnish European, 0.00017%; no homozygotes.

Submission:

Labcorp Genetics (formerly Invitae), Labcorp
Classification: Uncertain significance for Dyskeratosis congenita, autosomal dominant 2; Idiopathic Pulmonary Fibrosis. Last evaluated: 2022-04-01. Review status: criteria provided, single submitter. Criteria: Invitae Variant Classification Sherloc (09022015). Collection method: clinical testing. Allele origin: germline.
Comment: This sequence change replaces valine, which is neutral and non-polar, with alanine, which is neutral and non-polar, at codon 694 of the TERT protein (p.Val694Ala). This variant is not present in population databases (gnomAD no frequency). This variant has not been reported in the literature in individuals affected with TERT-related conditions. ClinVar contains an entry for this variant (Variation ID: 940381). Algorithms developed to predict the effect of missense changes on protein structure and function output the following: SIFT: "Tolerated"; PolyPhen-2: "Benign"; Align-GVGD: "Class C0". The alanine amino acid residue is found in multiple mammalian species, which suggests that this missense change does not adversely affect protein function. In summary, the available evidence is currently insufficient to determine the role of this variant in disease. Therefore, it has been classified as a Variant of Uncertain Significance.